The following is an entry in ClinVar:

NM_000540.3(RYR1):c.7439G>C (p.Gly2480Ala)

Gene: RYR1 (ryanodine receptor 1; plus strand). Cytogenetic location: 19q13.2.
Variant type: single nucleotide variant.
Coding change: c.7439G>C on transcript NM_000540.3 (MANE Select); coding-DNA position 7439, G replaced by C.
Protein change: p.Gly2480Ala; replaces glycine 2480 with alanine.
Molecular consequence: missense variant.
Genome position (GRCh38, 1-based): chr19:38,500,721, G>C. VCF-style: chr19-38500721-G-C. GRCh37 (hg19) VCF-style: chr19-38991361-G-C.
Other names: c.7439G>C, p.Gly2480Ala (NM_001042723.2); short protein forms G2480A.
Identifiers: ClinVar variation 3636230 (VCV003636230.2).
Genomic context (GRCh38, chr19:38,500,721, plus strand): 5'-TTGTGCCCTTGGAGGACCTTGTGGGCATCATCAGCCTCCCACTGCAGATTCCCACCCTGG[G>C]CAAAGGTGCAGAGGGGATGGAACTTGGCGAAGGAGTGATGCTGGGGAGGGAGCGGCTGGG-3'
Protein context (NP_000531.2, residues 2470-2490): ISLPLQIPTL[Gly2480Ala]KDGALVQPKM

ClinVar aggregate classification (germline): Uncertain significance (1 of 4 stars; one submission).

Conditions:
RYR1-related disorder. Also called: RYR1-related condition; RYR1-related disorders. Identifiers: MedGen CN239331.

Submission:

Labcorp Genetics (formerly Invitae), Labcorp
Classification: Uncertain significance for RYR1-related disorder. Last evaluated: 2025-03-05. Review status: criteria provided, single submitter. Criteria: Invitae Variant Classification Sherloc (09022015). Collection method: clinical testing. Allele origin: germline.
Comment: This sequence change replaces glycine, which is neutral and non-polar, with alanine, which is neutral and non-polar, at codon 2480 of the RYR1 protein (p.Gly2480Ala). This variant is not present in population databases (gnomAD no frequency). This variant has not been reported in the literature in individuals affected with RYR1-related conditions. Invitae Evidence Modeling of protein sequence and biophysical properties (such as structural, functional, and spatial information, amino acid conservation, physicochemical variation, residue mobility, and thermodynamic stability) indicates that this missense variant is not expected to disrupt RYR1 protein function with a negative predictive value of 95%. In summary, the available evidence is currently insufficient to determine the role of this variant in disease. Therefore, it has been classified as a Variant of Uncertain Significance.